The following is an entry in ClinVar:

ClinVar aggregate classification (germline): Uncertain significance (1 of 4 stars; one submission).

gnomAD v4.1: 1 of 1,611,724 alleles (0.000062%); highest among the groups gnomAD compares: Non-Finnish European, 0.000085%; no homozygotes.

Submission:

Labcorp Genetics (formerly Invitae), Labcorp
Classification: Uncertain significance. Last evaluated: 2022-12-06. Review status: criteria provided, single submitter. Criteria: Invitae Variant Classification Sherloc (09022015). Collection method: clinical testing. Allele origin: germline.
Comment: This sequence change replaces alanine, which is neutral and non-polar, with glutamic acid, which is acidic and polar, at codon 999 of the POP1 protein (p.Ala999Glu). In summary, the available evidence is currently insufficient to determine the role of this variant in disease. Therefore, it has been classified as a Variant of Uncertain Significance. Algorithms developed to predict the effect of missense changes on protein structure and function (SIFT, PolyPhen-2, Align-GVGD) all suggest that this variant is likely to be tolerated. ClinVar contains an entry for this variant (Variation ID: 1516734). This variant has not been reported in the literature in individuals affected with POP1-related conditions. This variant is not present in population databases (gnomAD no frequency).

NM_001145860.2(POP1):c.2996C>A (p.Ala999Glu)

Gene: POP1 (POP1 homolog, ribonuclease P/MRP subunit; plus strand). Cytogenetic location: 8q22.2.
Variant type: single nucleotide variant.
Coding change: c.2996C>A on transcript NM_001145860.2 (MANE Select); coding-DNA position 2996, C replaced by A.
Protein change: p.Ala999Glu; replaces alanine 999 with glutamic acid.
Molecular consequence: missense variant.
Genome position (GRCh38, 1-based): chr8:98,158,192, C>A. VCF-style: chr8-98158192-C-A. GRCh37 (hg19) VCF-style: chr8-99170420-C-A.
Other names: c.2996C>A, p.Ala999Glu (NM_001145861.2, NM_015029.3); short protein forms A999E.
Identifiers: ClinVar variation 1516734 (VCV001516734.4), dbSNP rs1245536419, ClinGen allele CA371778464.